The following is an entry in ClinVar:

ClinVar aggregate classification (germline): Uncertain significance (1 of 4 stars; one submission).

Conditions:
Catecholaminergic polymorphic ventricular tachycardia (CVPT). Also called: Catecholamine-induced polymorphic ventricular tachycardia. Identifiers: Orphanet 3286, MedGen C5574922, MONDO:0017990.

Submission:

All of Us Research Program, National Institutes of Health
Classification: Uncertain significance for Catecholaminergic polymorphic ventricular tachycardia. Last evaluated: 2024-09-17. Review status: criteria provided, single submitter. Criteria: ACMG Guidelines, 2015. Collection method: clinical testing. Allele origin: germline. Inheritance: Autosomal dominant inheritance. Observed: 1 variant allele, 1 heterozygote.
Comment: This study involves interpretation of variants in research participants for the purpose of population health screening. Participant phenotype was not available at the time of variant classification. Additional details can be found in publication PMID: 35346344, PMCID: PMC8962531

NM_001035.3(RYR2):c.140G>T (p.Cys47Phe)

Gene: RYR2 (ryanodine receptor 2; plus strand). Cytogenetic location: 1q43.
Variant type: single nucleotide variant.
Coding change: c.140G>T on transcript NM_001035.3 (MANE Select); coding-DNA position 140, G replaced by T.
Protein change: p.Cys47Phe; replaces cysteine 47 with phenylalanine.
Molecular consequence: missense variant.
Genome position (GRCh38, 1-based): chr1:237,270,588, G>T. VCF-style: chr1-237270588-G-T. GRCh37 (hg19) VCF-style: chr1-237433888-G-T.
Other names: short protein forms C47F.
Identifiers: ClinVar variation 3385644 (VCV003385644.1).
Genomic context (GRCh38, chr1:237,270,588, plus strand): 5'-CCATCCACAAAGAACAACAGAAGCTATGCTTGGCAGCAGAAGGATTTGGCAACAGACTTT[G>T]TTTCTTGGAGTCCACTTCCAATTCCAAGGTGGGATGAAGTCTTTCAAGGCTATTCAAATA-3'
Protein context (NP_001026.2, residues 37-57): LAAEGFGNRL[Cys47Phe]FLESTSNSKN